The following is an entry in ClinVar:

NM_017841.4(SDHAF2):c.37-19_37-18delinsGT

Gene: SDHAF2 (succinate dehydrogenase complex assembly factor 2; plus strand). Cytogenetic location: 11q12.2.
Variant type: Indel.
Coding change: c.37-19_37-18delinsGT on transcript NM_017841.4 (MANE Select); 19 bases into the intron before coding-DNA position 37 through 18 bases into the intron before coding-DNA position 37, TG replaced by GT.
Molecular consequence: intron variant.
Genome position (GRCh38, 1-based): chr11:61,437,606-61,437,607, TG replaced by GT. VCF-style: chr11-61437606-TG-GT. GRCh37 (hg19) VCF-style: chr11-61205078-TG-GT.
Identifiers: ClinVar variation 5042096 (VCV005042096.1).

ClinVar aggregate classification (germline): Likely benign (1 of 4 stars; one submission).

Conditions:
Pheochromocytoma/paraganglioma syndrome 2. Also called: SDHAF2-Related Hereditary Paraganglioma-Pheochromocytoma Syndrome; GLOMUS TUMORS, FAMILIAL, 2; Paragangliomas 2; SDHAF2-Related Hereditary Paraganglioma-Pheochromocytoma Syndrome (Paragangliomas 2). Identifiers: Orphanet 29072, MedGen C1866552, MONDO:0011121, OMIM 601650.

Submission:

Myriad Genetics, Inc.
Classification: Likely benign for Pheochromocytoma/paraganglioma syndrome 2. Last evaluated: 2026-08-04. Review status: criteria provided, single submitter. Criteria: Myriad Autosomal Dominant, Autosomal Recessive and X-Linked Classification Criteria (2023). Collection method: clinical testing. Allele origin: unknown.
Comment: This variant is considered likely benign. This variant is intronic and is not expected to impact mRNA splicing.